The following is an entry in ClinVar:

ClinVar aggregate classification (germline): Likely benign (1 of 4 stars; one submission).

Conditions:
ABCC12-related condition.

gnomAD v4.1: 125 of 1,614,184 alleles (0.0077%); highest among the groups gnomAD compares: East Asian, 0.031%; no homozygotes.

Submission:

PreventionGenetics, part of Exact Sciences
Classification: Likely benign for ABCC12-related condition. Last evaluated: 2026-07-07. Review status: criteria provided, single submitter. Criteria: ACMG Guidelines, 2015. Collection method: clinical testing. Allele origin: germline.
Comment: This variant is classified as likely benign based on ACMG/AMP sequence variant interpretation guidelines (Richards et al. 2015 PMID: 25741868, with internal and published modifications).

NM_001393797.1(ABCC12):c.2424C>T (p.Ser808=)

Gene: ABCC12 (ATP binding cassette subfamily C member 12; minus strand). Cytogenetic location: 16q12.1.
Variant type: single nucleotide variant.
Coding change: c.2424C>T on transcript NM_001393797.1 (MANE Select); coding-DNA position 2424, C replaced by T.
Protein change: p.Ser808=; no amino-acid change (serine 808 retained).
Molecular consequence: synonymous variant. On other transcripts: non-coding transcript variant (6).
Genome position (GRCh38, 1-based): chr16:48,107,373, G>A on the plus strand (C>T on the coding strand, the complement: ABCC12 is on the minus strand). VCF-style: chr16-48107373-G-A. GRCh37 (hg19) VCF-style: chr16-48141284-G-A.
Other names: c.2424C>T, p.Ser808= (NM_033226.3).
Identifiers: ClinVar variation 4979722 (VCV004979722.1).